The following is an entry in ClinVar:

ClinVar aggregate classification (germline): Uncertain significance (1 of 4 stars; one submission).

Conditions:
Hereditary cancer-predisposing syndrome. Also called: Neoplastic Syndromes, Hereditary; Tumor predisposition; Hereditary neoplastic syndrome; Hereditary Cancer Syndrome. Identifiers: Orphanet 140162, MedGen C0027672, MeSH D009386, MONDO:0015356.

Submission:

Ambry Genetics
Classification: Uncertain significance for Hereditary cancer-predisposing syndrome. Last evaluated: 2024-03-09. Review status: criteria provided, single submitter. Criteria: Ambry Variant Classification Scheme 2023. Collection method: clinical testing. Allele origin: germline.
Comment: The p.H1097N variant (also known as c.3289C>A), located in coding exon 14 of the MET gene, results from a C to A substitution at nucleotide position 3289. The histidine at codon 1097 is replaced by asparagine, an amino acid with similar properties. This amino acid position is conserved. In addition, the in silico prediction for this alteration is inconclusive. Based on the available evidence, the clinical significance of this alteration remains unclear.

NM_000245.4(MET):c.3235C>A (p.His1079Asn)

Gene: MET (MET proto-oncogene, receptor tyrosine kinase; plus strand). Cytogenetic location: 7q31.2.
Variant type: single nucleotide variant.
Coding change: c.3235C>A on transcript NM_000245.4 (MANE Select); coding-DNA position 3235, C replaced by A.
Protein change: p.His1079Asn; replaces histidine 1079 with asparagine.
Molecular consequence: missense variant.
Genome position (GRCh38, 1-based): chr7:116,775,087, C>A. VCF-style: chr7-116775087-C-A. GRCh37 (hg19) VCF-style: chr7-116415141-C-A.
Other names: c.3289C>A, p.His1097Asn (NM_001127500.3); c.1945C>A, p.His649Asn (NM_001324402.2); short protein forms H1079N, H1097N, H649N.
Identifiers: ClinVar variation 3232975 (VCV003232975.1), dbSNP rs2117032152, ClinGen allele CA368988765.
Genomic context (GRCh38, chr7:116,775,087, plus strand): 5'-AATCCAGAGCTGGTCCAGGCAGTGCAGCATGTAGTGATTGGGCCCAGTAGCCTGATTGTG[C>A]ATTTCAATGAAGTCATAGGAAGAGGTAAGTATTTCCACTCAGCTTTTTGTTAAATACGAT-3'
Protein context (NP_000236.2, residues 1069-1089): VVIGPSSLIV[His1079Asn]FNEVIGRGHF